The following is an entry in ClinVar:

NM_018943.3(TUBA8):c.812C>T (p.Thr271Ile)

Gene: TUBA8 (tubulin alpha 8; plus strand). Cytogenetic location: 22q11.21.
Variant type: single nucleotide variant.
Coding change: c.812C>T on transcript NM_018943.3 (MANE Select); coding-DNA position 812, C replaced by T.
Protein change: p.Thr271Ile; replaces threonine 271 with isoleucine.
Molecular consequence: missense variant.
Genome position (GRCh38, 1-based): chr22:18,126,790, C>T. VCF-style: chr22-18126790-C-T. GRCh37 (hg19) VCF-style: chr22-18609557-C-T.
Other names: c.614C>T, p.Thr205Ile (NM_001193414.2); short protein forms T205I, T271I.
Identifiers: ClinVar variation 4760596 (VCV004760596.1).

ClinVar aggregate classification (germline): Uncertain significance (1 of 4 stars; one submission).

gnomAD v4.1: 1 of 1,614,092 alleles (0.000062%); highest among the groups gnomAD compares: Non-Finnish European, 0.000085%; no homozygotes.

Submission:

Labcorp Genetics (formerly Invitae), Labcorp
Classification: Uncertain significance. Last evaluated: 2025-08-03. Review status: criteria provided, single submitter. Criteria: Invitae Variant Classification Sherloc (09022015). Collection method: clinical testing. Allele origin: germline.
Comment: This sequence change replaces threonine, which is neutral and polar, with isoleucine, which is neutral and non-polar, at codon 271 of the TUBA8 protein (p.Thr271Ile). This variant is not present in population databases (gnomAD no frequency). This variant has not been reported in the literature in individuals affected with TUBA8-related conditions. Invitae Evidence Modeling of protein sequence and biophysical properties (such as structural, functional, and spatial information, amino acid conservation, physicochemical variation, residue mobility, and thermodynamic stability) indicates that this missense variant is expected to disrupt TUBA8 protein function with a positive predictive value of 80%. In summary, the available evidence is currently insufficient to determine the role of this variant in disease. Therefore, it has been classified as a Variant of Uncertain Significance.